The following is an entry in ClinVar:

NM_170754.4(TNS2):c.2221G>A (p.Ala741Thr)

Gene: TNS2 (tensin 2; plus strand). Cytogenetic location: 12q13.13.
Variant type: single nucleotide variant.
Coding change: c.2221G>A on transcript NM_170754.4 (MANE Select); coding-DNA position 2221, G replaced by A.
Protein change: p.Ala741Thr; replaces alanine 741 with threonine.
Molecular consequence: missense variant.
Genome position (GRCh38, 1-based): chr12:53,059,862, G>A. VCF-style: chr12-53059862-G-A. GRCh37 (hg19) VCF-style: chr12-53453646-G-A.
Other names: c.2221G>A, p.Ala741Thr (NM_001416202.1); c.2179G>A, p.Ala727Thr (NM_001416203.1); c.2248G>A, p.Ala750Thr (NM_001416204.1); c.2152G>A, p.Ala718Thr (NM_015319.3); c.1849G>A, p.Ala617Thr (NM_198316.2); c.2251G>A (NM_015319.2); short protein forms A617T, A727T, A741T, A718T, A750T.
Identifiers: ClinVar variation 3701682 (VCV003701682.3).

ClinVar aggregate classification (germline): Uncertain significance. Review status: criteria provided, multiple submitters, no conflicts (2 of 4 stars). 2 submissions from 2 submitters: Uncertain significance (2). Last evaluated 2025-11-20.

Submissions (2):

Ambry Genetics
Classification: Uncertain significance. Last evaluated: 2025-11-20. Review status: criteria provided, single submitter. Criteria: Ambry Variant Classification Scheme 2023. Collection method: clinical testing. Allele origin: germline.

Labcorp Genetics (formerly Invitae), Labcorp
Classification: Uncertain significance. Last evaluated: 2024-03-09. Review status: criteria provided, single submitter. Criteria: Invitae Variant Classification Sherloc (09022015). Collection method: clinical testing. Allele origin: germline.
Comment: This sequence change replaces alanine, which is neutral and non-polar, with threonine, which is neutral and polar, at codon 751 of the TNS2 protein (p.Ala751Thr). This variant is not present in population databases (gnomAD no frequency). This variant has not been reported in the literature in individuals affected with TNS2-related conditions. Algorithms developed to predict the effect of missense changes on protein structure and function output the following: SIFT: "Not Available"; PolyPhen-2: "Benign"; Align-GVGD: "Not Available". The threonine amino acid residue is found in multiple mammalian species, which suggests that this missense change does not adversely affect protein function. In summary, the available evidence is currently insufficient to determine the role of this variant in disease. Therefore, it has been classified as a Variant of Uncertain Significance.